The following is an entry in ClinVar:

NM_006279.5(ST3GAL3):c.1057del (p.Gln353fs)

Gene: ST3GAL3 (ST3 beta-galactoside alpha-2,3-sialyltransferase 3; plus strand). Cytogenetic location: 1p34.1.
Variant type: Deletion.
Coding change: c.1057del on transcript NM_006279.5 (MANE Select); coding-DNA position 1057, one base deleted (C; older notation c.1057delC).
Protein change: p.Gln353fs; shifts the reading frame from glutamine 353.
Molecular consequence: frameshift variant. On other transcripts: 3 prime UTR variant (1), non-coding transcript variant (8).
Genome position (GRCh38, 1-based): chr1:43,930,150, C deleted; the last of 2 consecutive C bases (chr1:43,930,149-43,930,150); deleting either gives the same sequence. VCF-style (leftmost placement, unchanged base first): chr1-43930148-TC-T. GRCh37 (hg19) VCF-style: chr1-44395820-TC-T.
Other names: c.967del, p.Gln323fs (NM_001270459.2); c.964del, p.Gln322fs (NM_001270460.2); c.715del, p.Gln239fs (NM_001270461.3); c.622del, p.Gln208fs (NM_001270462.3); c.573del, p.Ser192fs (NM_001270463.3); c.528del, p.Ser177fs (NM_001270464.3); c.*41del (NM_001270465.3); c.273del, p.Ser92fs (NM_001270466.3); and 14 more; short protein forms P418fs, Q255fs, Q309fs, Q353fs, S92fs, P123fs, P139fs, Q239fs.
Identifiers: ClinVar variation 2000261 (VCV002000261.4), dbSNP rs2528970848, ClinGen allele CA2580062851.

ClinVar aggregate classification (germline): Uncertain significance (1 of 4 stars; one submission).

Conditions:
Early-infantile DEE. Also called: Ohtahara syndrome; Early infantile epileptic encephalopathy; Early infantile epileptic encephalopathy with suppression bursts. Identifiers: Orphanet 1934, MedGen C0393706, MONDO:0800491.

Submission:

Labcorp Genetics (formerly Invitae), Labcorp
Classification: Uncertain significance for Early-infantile DEE. Last evaluated: 2022-05-29. Review status: criteria provided, single submitter. Criteria: Invitae Variant Classification Sherloc (09022015). Collection method: clinical testing. Allele origin: germline.
Comment: This sequence change creates a premature translational stop signal (p.Gln353Serfs*11) in the ST3GAL3 gene. While this is not anticipated to result in nonsense mediated decay, it is expected to disrupt the last 23 amino acid(s) of the ST3GAL3 protein. This variant is not present in population databases (gnomAD no frequency). This variant has not been reported in the literature in individuals affected with ST3GAL3-related conditions. Experimental studies and prediction algorithms are not available or were not evaluated, and the functional significance of this variant is currently unknown. In summary, the available evidence is currently insufficient to determine the role of this variant in disease. Therefore, it has been classified as a Variant of Uncertain Significance.